The following is an entry in ClinVar:

NM_003590.5(CUL3):c.693A>C (p.Ser231=)

Gene: CUL3 (cullin 3; minus strand). Cytogenetic location: 2q36.2.
Variant type: single nucleotide variant.
Coding change: c.693A>C on transcript NM_003590.5 (MANE Select); coding-DNA position 693, A replaced by C.
Protein change: p.Ser231=; no amino-acid change (serine 231 retained).
Molecular consequence: synonymous variant.
Genome position (GRCh38, 1-based): chr2:224,511,544, T>G on the plus strand (A>C on the coding strand, the complement: CUL3 is on the minus strand). VCF-style: chr2-224511544-T-G. GRCh37 (hg19) VCF-style: chr2-225376261-T-G.
Other names: c.495A>C, p.Ser165= (NM_001257197.2); c.711A>C, p.Ser237= (NM_001257198.2).
Identifiers: ClinVar variation 334632 (VCV000334632.12), dbSNP rs181190157, ClinGen allele CA2140128.

ClinVar aggregate classification (germline): Benign. Review status: criteria provided, multiple submitters, no conflicts (2 of 4 stars). 3 submissions from 3 submitters: Benign (2). 1 of the submissions does not count toward it. Last evaluated 2026-01-12.

Conditions:
CUL3-related disorder. Also called: CUL3-related condition; CUL3-related disorders.
Pseudohypoaldosteronism type 2E (PHA2E). Also called: Pseudohypoaldosteronism Type IIE. Identifiers: Orphanet 300530, Orphanet 757, MedGen C3469606, MONDO:0013782, OMIM 614496.

Allele frequency attached by ClinVar (database versions not stated): gnomAD exomes 0.00007 and 0.00025; gnomAD 0.00011 and 0.00016; TOPMed 0.00013; ExAC 0.00022; 1000 Genomes Project 0.00040; 1000 Genomes Project 30x 0.00094.
gnomAD v4.1: 161 of 1,603,754 alleles (0.01%); highest among the groups gnomAD compares: East Asian, 0.2%; no homozygotes.

Submissions (3):

Labcorp Genetics (formerly Invitae), Labcorp
Classification: Benign. Last evaluated: 2026-01-12. Review status: criteria provided, single submitter. Criteria: Invitae Variant Classification Sherloc (09022015). Collection method: clinical testing. Allele origin: germline.

Illumina Laboratory Services, Illumina
Classification: Benign for Pseudohypoaldosteronism type 2E. Last evaluated: 2018-01-13. Review status: criteria provided, single submitter. Criteria: ICSL Variant Classification Criteria 13 December 2019. Collection method: clinical testing. Allele origin: germline.
Comment: This variant was observed in the ICSL laboratory as part of a predisposition screen in an ostensibly healthy population. It had not been previously curated by ICSL or reported in the Human Gene Mutation Database (HGMD: prior to June 1st, 2018), and was therefore a candidate for classification through an automated scoring system. Utilizing variant allele frequency, disease prevalence and penetrance estimates, and inheritance mode, an automated score was calculated to assess if this variant is too frequent to cause the disease. Based on the score and internal cut-off values, a variant classified as benign is not then subjected to further curation. The score for this variant resulted in a classification of benign for this disease.

PreventionGenetics, part of Exact Sciences
Classification: Likely benign for CUL3-related condition. Last evaluated: 2019-03-20. Review status: no assertion criteria provided. Collection method: clinical testing. Allele origin: germline. Not counted in ClinVar's aggregate classification.
Comment: This variant is classified as likely benign based on ACMG/AMP sequence variant interpretation guidelines (Richards et al. 2015 PMID: 25741868, with internal and published modifications).